The following is an entry in ClinVar:

ClinVar aggregate classification (germline): Uncertain significance (1 of 4 stars; one submission).

Submission:

Labcorp Genetics (formerly Invitae), Labcorp
Classification: Uncertain significance. Last evaluated: 2024-06-22. Review status: criteria provided, single submitter. Criteria: Invitae Variant Classification Sherloc (09022015). Collection method: clinical testing. Allele origin: germline.
Comment: This sequence change replaces proline, which is neutral and non-polar, with serine, which is neutral and polar, at codon 119 of the RASGRP1 protein (p.Pro119Ser). This variant is not present in population databases (gnomAD no frequency). This variant has not been reported in the literature in individuals affected with RASGRP1-related conditions. Advanced modeling of protein sequence and biophysical properties (such as structural, functional, and spatial information, amino acid conservation, physicochemical variation, residue mobility, and thermodynamic stability) performed at Invitae indicates that this missense variant is not expected to disrupt RASGRP1 protein function with a negative predictive value of 80%. In summary, the available evidence is currently insufficient to determine the role of this variant in disease. Therefore, it has been classified as a Variant of Uncertain Significance.

NM_005739.4(RASGRP1):c.355C>T (p.Pro119Ser)

Gene: RASGRP1 (RAS guanyl releasing protein 1; minus strand). Cytogenetic location: 15q14.
Variant type: single nucleotide variant.
Coding change: c.355C>T on transcript NM_005739.4 (MANE Select); coding-DNA position 355, C replaced by T.
Protein change: p.Pro119Ser; replaces proline 119 with serine.
Molecular consequence: missense variant.
Genome position (GRCh38, 1-based): chr15:38,519,343, G>A on the plus strand (C>T on the coding strand, the complement: RASGRP1 is on the minus strand). VCF-style: chr15-38519343-G-A. GRCh37 (hg19) VCF-style: chr15-38811544-G-A.
Other names: c.355C>T, p.Pro119Ser (NM_001128602.2, NM_001306086.2); short protein forms P119S.
Identifiers: ClinVar variation 3657475 (VCV003657475.2).
Genomic context (GRCh38, chr15:38,519,343, plus strand): 5'-TCTTGAAATACATAAAGAAACATTACCTTACAAAATAACAGATCTTCAGGCAAAGTCCTG[G>A]TGAATTCTTTGCCAAAGCATCCTTATAGGTAGGGCTGTGGTTAAGGGAAATGGAGACCTC-3'
Protein context (NP_005730.2, residues 109-129): LYKDALAKNS[Pro119Ser]GLCLKICYFV